The following is an entry in ClinVar:

NM_152618.3(BBS12):c.1719del (p.Ser574fs)

Gene: BBS12 (Bardet-Biedl syndrome 12; plus strand). Cytogenetic location: 4q27.
Variant type: Deletion.
Coding change: c.1719del on transcript NM_152618.3 (MANE Select); coding-DNA position 1719, one base deleted (C; older notation c.1719delC).
Protein change: p.Ser574fs; shifts the reading frame from serine 574.
Molecular consequence: frameshift variant.
Genome position (GRCh38, 1-based): chr4:122,743,611, C deleted; the last of 2 consecutive C bases (chr4:122,743,610-122,743,611); deleting either gives the same sequence. VCF-style (leftmost placement, unchanged base first): chr4-122743609-TC-T. GRCh37 (hg19) VCF-style: chr4-123664764-TC-T.
Other names: c.1719del (NM_152618.2); c.1719del, p.Ser574fs (NM_001178007.2); short protein forms S574fs.
Identifiers: ClinVar variation 2061333 (VCV002061333.5), dbSNP rs2485077890, ClinGen allele CA2580071485.

ClinVar aggregate classification (germline): Pathogenic/Likely pathogenic. Review status: criteria provided, multiple submitters, no conflicts (2 of 4 stars). 2 submissions from 2 submitters: Pathogenic (1); Likely pathogenic (1). Last evaluated 2025-12-18.

Conditions:
Bardet-Biedl syndrome (BBS). Identifiers: Orphanet 110, MedGen C0752166, MONDO:0015229.
Bardet-Biedl syndrome 12 (BBS12). Identifiers: Orphanet 110, MedGen C1859570, MONDO:0014440, OMIM 615989.

Submissions (2):

Natera, Inc.
Classification: Likely pathogenic for Bardet-Biedl syndrome type 12. Last evaluated: 2025-12-18. Review status: criteria provided, single submitter. Criteria: Natera Variant Classification Schema (03/2026). Collection method: clinical testing. Allele origin: germline.
Comment: The c.1719del variant in BBS12 is a frameshift variant predicted to shift the reading frame beginning at codon 574 and leads to a stop codon 64 codons downstream. This variant is expected to result in nonsense mediated decay, truncation, or a dysfunctional protein product. This variant is rare in the general population with a frequency below the threshold expected for the associated phenotype(s). Given the available evidence, this variant is classified as Likely Pathogenic.

Labcorp Genetics (formerly Invitae), Labcorp
Classification: Pathogenic for Bardet-Biedl syndrome. Last evaluated: 2021-12-26. Review status: criteria provided, single submitter. Criteria: Invitae Variant Classification Sherloc (09022015). Collection method: clinical testing. Allele origin: germline.
Comment: This variant has not been reported in the literature in individuals affected with BBS12-related conditions. This variant disrupts a region of the BBS12 protein in which other variant(s) (p.Asp687Valfs*3) have been determined to be pathogenic (Invitae). This suggests that this is a clinically significant region of the protein, and that variants that disrupt it are likely to be disease-causing. For these reasons, this variant has been classified as Pathogenic. This sequence change creates a premature translational stop signal (p.Ser574Leufs*64) in the BBS12 gene. While this is not anticipated to result in nonsense mediated decay, it is expected to disrupt the last 137 amino acid(s) of the BBS12 protein. This variant is not present in population databases (gnomAD no frequency).